The following is an entry in ClinVar:

NM_001694.4(ATP6V0C):c.453C>T (p.Ile151=)

Gene: ATP6V0C (ATPase H+ transporting V0 subunit c; plus strand). Cytogenetic location: 16p13.3.
Variant type: single nucleotide variant.
Coding change: c.453C>T on transcript NM_001694.4 (MANE Select); coding-DNA position 453, C replaced by T.
Protein change: p.Ile151=; no amino-acid change (isoleucine 151 retained).
Molecular consequence: synonymous variant.
Genome position (GRCh38, 1-based): chr16:2,519,730, C>T. VCF-style: chr16-2519730-C-T. GRCh37 (hg19) VCF-style: chr16-2569731-C-T.
Other names: c.453C>T, p.Ile151= (NM_001198569.2).
Identifiers: ClinVar variation 4874148 (VCV004874148.2).

ClinVar aggregate classification (germline): Likely benign (1 of 4 stars; one submission).

Submission:

CeGaT Center for Human Genetics Tuebingen
Classification: Likely benign. Last evaluated: 2026-06-01. Review status: criteria provided, single submitter. Criteria: CeGaT Center For Human Genetics Tuebingen Variant Classification Criteria Version 2. Collection method: clinical testing. Allele origin: germline. Affected: yes. Observed: 1 variant allele.
Comment: ATP6V0C: BP4, BP7